The following is an entry in ClinVar:

NM_052845.4(MMAB):c.625G>A (p.Val209Met)

Gene: MMAB (metabolism of cobalamin associated B; minus strand). Cytogenetic location: 12q24.11.
Variant type: single nucleotide variant.
Coding change: c.625G>A on transcript NM_052845.4 (MANE Select); coding-DNA position 625, G replaced by A.
Protein change: p.Val209Met; replaces valine 209 with methionine.
Molecular consequence: missense variant. On other transcripts: non-coding transcript variant (1).
Genome position (GRCh38, 1-based): chr12:109,559,115, C>T on the plus strand (G>A on the coding strand, the complement: MMAB is on the minus strand). VCF-style: chr12-109559115-C-T. GRCh37 (hg19) VCF-style: chr12-109996920-C-T.
Other names: short protein forms V209M.
Identifiers: ClinVar variation 284356 (VCV000284356.20), dbSNP rs200903284, ClinGen allele CA10604766.
Genomic context (GRCh38, chr12:109,559,115, plus strand): 5'-CTCGGCTTTCAGAGAGGAACCCCCAGGTTCCACGCGAGTACCTGTTTAAGAACTTGGCCA[C>T]GTTCGCATCGGTCTCTCCCATCTGGACAAGAGGCACCACACTAGAAAGGGAGGAGACACT-3'
Protein context (NP_443077.1, residues 199-219): LVQMGETDAN[Val209Met]AKFLNRLSDY

ClinVar aggregate classification (germline): Conflicting classifications of pathogenicity. Review status: criteria provided, conflicting classifications (1 of 4 stars). 7 submissions from 7 submitters: Pathogenic (1); Likely pathogenic (3); Uncertain significance (1). 2 of the submissions do not count toward it. Last evaluated 2026-07-21.

Conditions:
Methylmalonic acidemia (MMA). Also called: Isolated Methylmalonic Acidemia. Identifiers: MedGen C0268583, MeSH C537358, MONDO:0002012, HP:0002912.
Methylmalonic aciduria, cblB type (MACB). Also called: METHYLMALONIC ACIDURIA, VITAMIN B12-RESPONSIVE, DUE TO DEFECT IN SYNTHESIS OF ADENOSYLCOBALAMIN, cblB TYPE; Methylmalonic acidemia cblB type; Vitamin B12-responsive methylmalonic acidemia type cblB. Identifiers: Orphanet 28, Orphanet 79311, MedGen C1855102, MONDO:0009614, OMIM 251110.

Allele frequency attached by ClinVar (database versions not stated): gnomAD 0.00001; gnomAD exomes 0.00001; TOPMed 0.00002.
gnomAD v4.1: 22 of 1,613,744 alleles (0.0014%); highest among the groups gnomAD compares: African/African-American, 0.008%; no homozygotes.

Submissions (7):

Myriad Genetics, Inc.
Classification: Uncertain significance for Methylmalonic aciduria, cblB type. Last evaluated: 2026-07-21. Review status: criteria provided, single submitter. Criteria: Myriad Autosomal Dominant, Autosomal Recessive and X-Linked Classification Criteria (2023). Collection method: clinical testing. Allele origin: unknown.
Comment: NM_052845.3(MMAB):c.625G>A(V209M) is a missense variant classified as a variant of uncertain significance in the context of methylmalonic acidemia, cblB type. V209M has been observed in a case with relevant disease (PMID: 34796408). Relevant functional assessments of this variant are not available in the literature. V209M has been observed in referenced population frequency databases. In summary, there is insufficient evidence to classify NM_052845.3(MMAB):c.625G>A(V209M) as pathogenic or benign. Please note: this variant was assessed in the context of healthy population screening.

Women's Health and Genetics/Laboratory Corporation of America, LabCorp
Classification: Likely pathogenic for Methylmalonic acidemia. Last evaluated: 2025-12-08. Review status: criteria provided, single submitter. Criteria: LabCorp Variant Classification Summary - May 2015. Collection method: clinical testing. Allele origin: germline.
Comment: Variant summary: MMAB c.625G>A (p.Val209Met) results in a conservative amino acid change in the encoded protein sequence. Algorithms developed to predict the effect of missense changes on protein structure and function are either unavailable or do not agree on the potential impact of this missense change. The variant allele was found at a frequency of 1.2e-05 in 251422 control chromosomes. c.625G>A has been observed in individuals affected with Methylmalonic Acidemia (Forny_2022, internal data). These data indicate that the variant may be associated with disease. To our knowledge, no experimental evidence demonstrating an impact on protein function has been reported. The following publication have been ascertained in the context of this evaluation (PMID: 34796408). ClinVar contains an entry for this variant (Variation ID: 284356). Based on the evidence outlined above, the variant was classified as likely pathogenic.

Natera, Inc.
Classification: Likely pathogenic for Methylmalonic aciduria cblB type. Last evaluated: 2025-09-06. Review status: criteria provided, single submitter. Criteria: Natera Variant Classification Schema (03/2026). Collection method: clinical testing. Allele origin: germline.
Comment: The c.625G>A variant in MMAB is a missense variant predicted to cause substitution of valine to methionine at amino acid 209. This variant is rare in the general population with a frequency below the threshold expected for the associated phenotype(s). This variant has been observed in one or more individuals affected with the associated recessive disease, as either homozygous or compound heterozygous with a second variant (PMID: 34796408). This variant has been identified in one or more affected individual with a phenotype highly consistent with the associated gene (PMID: 34796408). Computational prediction algorithms indicate this variant is likely to affect gene or protein function. Given the available evidence, this variant is classified as Likely Pathogenic.

Labcorp Genetics (formerly Invitae), Labcorp
Classification: Pathogenic for Methylmalonic aciduria, cblB type. Last evaluated: 2025-01-06. Review status: criteria provided, single submitter. Criteria: Invitae Variant Classification Sherloc (09022015). Collection method: clinical testing. Allele origin: germline.
Comment: This sequence change replaces valine, which is neutral and non-polar, with methionine, which is neutral and non-polar, at codon 209 of the MMAB protein (p.Val209Met). This variant is present in population databases (rs200903284, gnomAD 0.007%). This missense change has been observed in individual(s) with cblB-type methylmalonic aciduria (PMID: 34796408; internal data). In at least one individual the data is consistent with being in trans (on the opposite chromosome) from a pathogenic variant. It has also been observed to segregate with disease in related individuals. ClinVar contains an entry for this variant (Variation ID: 284356). Invitae Evidence Modeling of protein sequence and biophysical properties (such as structural, functional, and spatial information, amino acid conservation, physicochemical variation, residue mobility, and thermodynamic stability) indicates that this missense variant is not expected to disrupt MMAB protein function with a negative predictive value of 80%. For these reasons, this variant has been classified as Pathogenic.

Fulgent Genetics
Classification: Likely pathogenic for Methylmalonic aciduria, cblB type. Last evaluated: 2024-01-03. Review status: criteria provided, single submitter. Criteria: ACMG Guidelines, 2015. Collection method: clinical testing. Allele origin: germline.

Baumgartner lab, University Children's Hospital Zurich
Classification: Pathogenic for Methylmalonic aciduria, cblB type. Last evaluated: 2021-06-01. Review status: no assertion criteria provided. Collection method: clinical testing. Allele origin: germline. Affected: yes. Not counted in ClinVar's aggregate classification.

Eurofins Ntd Llc (ga)
Classification: Uncertain significance. Last evaluated: 2015-11-07. Review status: flagged submission. Criteria: EGL Classification Definitions 2015. Collection method: clinical testing. Allele origin: germline. Observed: 1 variant allele, 1 heterozygote. Not counted in ClinVar's aggregate classification.
ClinVar note: Reason: Older claim that does not account for recent evidence

Literature cited by the submitters: PubMed 34796408 (cited by 4 submitters).